The following is an entry in ClinVar:

ClinVar aggregate classification (germline): Uncertain significance (1 of 4 stars; one submission).

Conditions:
Cardiovascular phenotype. Identifiers: MedGen CN230736.

gnomAD v4.1: 14 of 1,582,862 alleles (0.00088%); highest among the groups gnomAD compares: Middle Eastern, 0.017%; no homozygotes.

Submission:

Ambry Genetics
Classification: Uncertain significance for Cardiovascular phenotype. Last evaluated: 2026-06-26. Review status: criteria provided, single submitter. Criteria: Ambry Variant Classification Scheme 2023. Collection method: clinical testing. Allele origin: germline.
Comment: The c.6210+3A>G intronic variant results from an A to G substitution 3 nucleotides after coding exon 25 in the AKAP9 gene. This nucleotide position is well conserved in available vertebrate species. In silico splice site analysis predicts that this alteration will not have any significant effect on splicing. The evidence for this gene-disease relationship is limited; therefore, the clinical significance of this variant is unclear.

NM_005751.5(AKAP9):c.6210+3A>G

Gene: AKAP9 (A-kinase anchoring protein 9; plus strand). Cytogenetic location: 7q21.2.
Variant type: single nucleotide variant.
Coding change: c.6210+3A>G on transcript NM_005751.5 (MANE Select); 3 bases into the intron after coding-DNA position 6210, A replaced by G.
Molecular consequence: intron variant.
Genome position (GRCh38, 1-based): chr7:92,065,466, A>G. VCF-style: chr7-92065466-A-G. GRCh37 (hg19) VCF-style: chr7-91694780-A-G.
Other names: c.6210+3A>G (NM_147185.3); c.855+3A>G (NM_001379277.1).
Identifiers: ClinVar variation 5033857 (VCV005033857.1).
Genomic context (GRCh38, chr7:92,065,466, plus strand): 5'-AAGACAGCAAAACCAAGCATTGGAAAAGCAGTTAGAAAAAATGAGAAAATTTTTAGATGT[A>G]AGTATTCTCAAGTTGAATACTGATTTTTCTCAGTGGAATGTTCTTTGCTAGTATACTAGG-3'